The following is an entry in ClinVar:

ClinVar aggregate classification (germline): Uncertain significance (1 of 4 stars; one submission).

Conditions:
Ataxia-telangiectasia syndrome (AT). Also called: Ataxia-telangiectasia, complementation group E; ATAXIA-TELANGIECTASIA, COMPLEMENTATION GROUP A; ATAXIA-TELANGIECTASIA, FRESNO VARIANT; Ataxia-telangiectasia; LOUIS-BAR SYNDROME; Ataxia-telangiectasia, complementation group D. Identifiers: Orphanet 100, MedGen C0004135, MONDO:0008840, OMIM 208900.

Submission:

Labcorp Genetics (formerly Invitae), Labcorp
Classification: Uncertain significance for Ataxia-telangiectasia syndrome. Last evaluated: 2022-11-06. Review status: criteria provided, single submitter. Criteria: Invitae Variant Classification Sherloc (09022015). Collection method: clinical testing. Allele origin: germline.
Comment: In summary, the available evidence is currently insufficient to determine the role of this variant in disease. Therefore, it has been classified as a Variant of Uncertain Significance. Algorithms developed to predict the effect of missense changes on protein structure and function are either unavailable or do not agree on the potential impact of this missense change (SIFT: "Tolerated"; PolyPhen-2: "Possibly Damaging"; Align-GVGD: "Class C0"). This variant has not been reported in the literature in individuals affected with ATM-related conditions. This sequence change replaces lysine, which is basic and polar, with threonine, which is neutral and polar, at codon 892 of the ATM protein (p.Lys892Thr). This variant is not present in population databases (gnomAD no frequency).

NM_000051.4(ATM):c.2675A>C (p.Lys892Thr)

Gene: ATM (ATM serine/threonine kinase; plus strand). Cytogenetic location: 11q22.3.
Variant type: single nucleotide variant.
Coding change: c.2675A>C on transcript NM_000051.4 (MANE Select); coding-DNA position 2675, A replaced by C.
Protein change: p.Lys892Thr; replaces lysine 892 with threonine.
Molecular consequence: missense variant.
Genome position (GRCh38, 1-based): chr11:108,268,446, A>C. VCF-style: chr11-108268446-A-C. GRCh37 (hg19) VCF-style: chr11-108139173-A-C.
Other names: c.2675A>C, p.Lys892Thr (NM_001351834.2); short protein forms K892T.
Identifiers: ClinVar variation 2812461 (VCV002812461.3), dbSNP rs1476268748, ClinGen allele CA382545118.